The following is an entry in ClinVar:

NM_006206.6(PDGFRA):c.1714T>C (p.Tyr572His)

Gene: PDGFRA (platelet derived growth factor receptor alpha; plus strand). Cytogenetic location: 4q12.
Variant type: single nucleotide variant.
Coding change: c.1714T>C on transcript NM_006206.6 (MANE Select); coding-DNA position 1714, T replaced by C.
Protein change: p.Tyr572His; replaces tyrosine 572 with histidine.
Molecular consequence: missense variant.
Genome position (GRCh38, 1-based): chr4:54,274,901, T>C. VCF-style: chr4-54274901-T-C. GRCh37 (hg19) VCF-style: chr4-55141068-T-C.
Other names: c.1714T>C, p.Tyr572His (NM_001347827.2, NM_001347829.2); c.1789T>C, p.Tyr597His (NM_001347828.2); c.1753T>C, p.Tyr585His (NM_001347830.2); short protein forms Y572H, Y585H, Y597H.
Identifiers: ClinVar variation 1778617 (VCV001778617.2), dbSNP rs2110299939, ClinGen allele CA356893149.

ClinVar aggregate classification (germline): Uncertain significance (1 of 4 stars; one submission).

Conditions:
Hereditary cancer-predisposing syndrome. Also called: Neoplastic Syndromes, Hereditary; Tumor predisposition; Hereditary Cancer Syndrome; Hereditary neoplastic syndrome. Identifiers: Orphanet 140162, MedGen C0027672, MeSH D009386, MONDO:0015356.

Allele frequency attached by ClinVar (database versions not stated): gnomAD exomes below 0.00001.
gnomAD v4.1: 1 of 1,614,020 alleles (0.000062%); highest among the groups gnomAD compares: Non-Finnish European, 0.000085%; no homozygotes.

Submission:

Ambry Genetics
Classification: Uncertain significance for Hereditary cancer-predisposing syndrome. Last evaluated: 2021-06-10. Review status: criteria provided, single submitter. Criteria: Ambry Variant Classification Scheme 2023. Collection method: clinical testing. Allele origin: germline.
Comment: The p.Y572H variant (also known as c.1714T>C), located in coding exon 11 of the PDGFRA gene, results from a T to C substitution at nucleotide position 1714. The tyrosine at codon 572 is replaced by histidine, an amino acid with similar properties. This amino acid position is conserved. In addition, this alteration is predicted to be deleterious by in silico analysis. Since supporting evidence is limited at this time, the clinical significance of this alteration remains unclear.